The following is an entry in ClinVar:

ClinVar aggregate classification (germline): Likely benign. Review status: criteria provided, multiple submitters, no conflicts (2 of 4 stars). 3 submissions from 3 submitters: Likely benign (2). 1 of the submissions does not count toward it. Last evaluated 2025-12-21.

Conditions:
DYNC2H1-related disorder. Also called: DYNC2H1-related disorders; DYNC2H1-related condition. Identifiers: MedGen CN378770.
Jeune thoracic dystrophy. Also called: Infantile thoracic dystrophy; Thoracic pelvic phalangeal dystrophy; Jeune's syndrome; Chondroectodermal dysplasia-like syndrome; Short-rib thoracic dysplasia; Jeune syndrome. Identifiers: Orphanet 474, MedGen C0265275, MONDO:0018770.

Allele frequency attached by ClinVar (database versions not stated): gnomAD 0.00003 and 0.00006; TOPMed 0.00003; gnomAD exomes 0.00009 and 0.00022; ExAC 0.00065.
gnomAD v4.1: 139 of 1,564,246 alleles (0.0089%); highest among the groups gnomAD compares: South Asian, 0.14%; 1 homozygote.

Submissions (3):

Labcorp Genetics (formerly Invitae), Labcorp
Classification: Likely benign for Jeune thoracic dystrophy. Last evaluated: 2025-12-21. Review status: criteria provided, single submitter. Criteria: Invitae Variant Classification Sherloc (09022015). Collection method: clinical testing. Allele origin: germline.

Blueprint Genetics
Classification: Likely benign. Last evaluated: 2024-10-09. Review status: criteria provided, single submitter. Criteria: ACMG Guidelines, 2015. Collection method: clinical testing. Allele origin: germline.

PreventionGenetics, part of Exact Sciences
Classification: Likely benign for DYNC2H1-related condition. Last evaluated: 2024-07-29. Review status: no assertion criteria provided. Collection method: clinical testing. Allele origin: germline. Not counted in ClinVar's aggregate classification.
Comment: This variant is classified as likely benign based on ACMG/AMP sequence variant interpretation guidelines (Richards et al. 2015 PMID: 25741868, with internal and published modifications).

NM_001377.3(DYNC2H1):c.7847T>C (p.Ile2616Thr)

Gene: DYNC2H1 (dynein cytoplasmic 2 heavy chain 1; plus strand). Cytogenetic location: 11q22.3.
Variant type: single nucleotide variant.
Coding change: c.7847T>C on transcript NM_001377.3 (MANE Select); coding-DNA position 7847, T replaced by C.
Protein change: p.Ile2616Thr; replaces isoleucine 2616 with threonine.
Molecular consequence: missense variant.
Genome position (GRCh38, 1-based): chr11:103,199,235, T>C. VCF-style: chr11-103199235-T-C. GRCh37 (hg19) VCF-style: chr11-103069964-T-C.
Other names: c.7847T>C, p.Ile2616Thr (NM_001080463.2); c.7847T>C (NM_001080463.1); short protein forms I2616T.
Identifiers: ClinVar variation 1156842 (VCV001156842.11), dbSNP rs761650103, ClinGen allele CA6254343.